The following is an entry in ClinVar:

NM_018979.4(WNK1):c.2114A>G (p.His705Arg)

Gene: WNK1 (WNK lysine deficient protein kinase 1; plus strand). Cytogenetic location: 12p13.33.
Variant type: single nucleotide variant.
Coding change: c.2114A>G on transcript NM_018979.4 (MANE Select); coding-DNA position 2114, A replaced by G.
Protein change: p.His705Arg; replaces histidine 705 with arginine.
Molecular consequence: missense variant.
Genome position (GRCh38, 1-based): chr12:862,245, A>G. VCF-style: chr12-862245-A-G. GRCh37 (hg19) VCF-style: chr12-971411-A-G.
Other names: c.2114A>G, p.His705Arg (NM_001184985.2, NM_014823.3, NM_213655.5); short protein forms H705R.
Identifiers: ClinVar variation 1786151 (VCV001786151.7), dbSNP rs761152723, ClinGen allele CA6382106.

ClinVar aggregate classification (germline): Uncertain significance. Review status: criteria provided, multiple submitters, no conflicts (2 of 4 stars). 2 submissions from 2 submitters: Uncertain significance (2). Last evaluated 2022-09-28.

Conditions:
Pseudohypoaldosteronism type 2C (PHA2C). Also called: Pseudohypoaldosteronism Type IIC. Identifiers: Orphanet 757, Orphanet 88940, MedGen C1840391, MONDO:0013778, OMIM 614492.
Neuropathy, hereditary sensory and autonomic, type 2A (HSAN2A). Also called: ACROOSTEOLYSIS, GIACCAI TYPE; ACROOSTEOLYSIS, NEUROGENIC; MORVAN DISEASE; NEUROPATHY, CONGENITAL SENSORY; NEUROPATHY, HEREDITARY SENSORY RADICULAR, AUTOSOMAL RECESSIVE; HSAN IIA. Identifiers: Orphanet 970, MedGen C2752089, MONDO:0024309, OMIM 201300.
Inborn genetic diseases. Identifiers: MedGen C0950123, MeSH D030342.

Allele frequency attached by ClinVar (database versions not stated): gnomAD exomes 0.00001; TOPMed 0.00001; ExAC 0.00002.
gnomAD v4.1: 10 of 1,614,090 alleles (0.00062%); highest among the groups gnomAD compares: South Asian, 0.0044%; no homozygotes.

Submissions (2):

Labcorp Genetics (formerly Invitae), Labcorp
Classification: Uncertain significance for Neuropathy, hereditary sensory and autonomic, type 2A; Pseudohypoaldosteronism type 2C. Last evaluated: 2022-09-28. Review status: criteria provided, single submitter. Criteria: Invitae Variant Classification Sherloc (09022015). Collection method: clinical testing. Allele origin: germline.
Comment: In summary, the available evidence is currently insufficient to determine the role of this variant in disease. Therefore, it has been classified as a Variant of Uncertain Significance. Advanced modeling of protein sequence and biophysical properties (such as structural, functional, and spatial information, amino acid conservation, physicochemical variation, residue mobility, and thermodynamic stability) performed at Invitae indicates that this missense variant is not expected to disrupt WNK1 protein function. This variant has not been reported in the literature in individuals affected with WNK1-related conditions. This variant is present in population databases (rs761152723, gnomAD 0.003%). This sequence change replaces histidine, which is basic and polar, with arginine, which is basic and polar, at codon 705 of the WNK1 protein (p.His705Arg).

Ambry Genetics
Classification: Uncertain significance for Inborn genetic diseases. Last evaluated: 2020-10-19. Review status: criteria provided, single submitter. Criteria: Ambry Variant Classification Scheme 2023. Collection method: clinical testing. Allele origin: germline.
Comment: The p.H705R variant (also known as c.2114A>G), located in coding exon 8 of the WNK1 gene, results from an A to G substitution at nucleotide position 2114. The histidine at codon 705 is replaced by arginine, an amino acid with highly similar properties. This amino acid position is well conserved in available vertebrate species. In addition, the in silico prediction for this alteration is inconclusive. Since supporting evidence is limited at this time, the clinical significance of this alteration remains unclear.